The following is an entry in ClinVar:

NM_001364171.2(ODAD1):c.1509C>A (p.Asp503Glu)

Gene: ODAD1 (outer dynein arm docking complex subunit 1; minus strand). Cytogenetic location: 19q13.33.
Variant type: single nucleotide variant.
Coding change: c.1509C>A on transcript NM_001364171.2 (MANE Select); coding-DNA position 1509, C replaced by A.
Protein change: p.Asp503Glu; replaces aspartic acid 503 with glutamic acid.
Molecular consequence: missense variant.
Genome position (GRCh38, 1-based): chr19:48,297,662, G>T on the plus strand (C>A on the coding strand, the complement: ODAD1 is on the minus strand). VCF-style: chr19-48297662-G-T. GRCh37 (hg19) VCF-style: chr19-48800919-G-T.
Other names: c.1398C>A, p.Asp466Glu (NM_144577.4); short protein forms D503E, D466E.
Identifiers: ClinVar variation 1972606 (VCV001972606.5), dbSNP rs1271012377, ClinGen allele CA406654745.
Genomic context (GRCh38, chr19:48,297,662, plus strand): 5'-TTGGCTCAGCAGCTCCTCCCTGCTCATGGGGTAGTCATCGCTGGCCTCAAAACCCGGGGG[G>T]TCTTCTCTGGGGAGGGGAAGGAAAATTGGAAAAGACTAGACCTCAGCCCTCAAAAAGGCC-3'
Protein context (NP_001351100.1, residues 493-513): APLQPPDTLE[Asp503Glu]PPGFEASDDY

ClinVar aggregate classification (germline): Uncertain significance (1 of 4 stars; one submission).

Conditions:
Primary ciliary dyskinesia. Also called: Ciliary dyskinesia. Identifiers: Orphanet 244, MedGen C0008780, MONDO:0016575, HP:0012265.

Submission:

Labcorp Genetics (formerly Invitae), Labcorp
Classification: Uncertain significance for Primary ciliary dyskinesia. Last evaluated: 2022-02-11. Review status: criteria provided, single submitter. Criteria: Invitae Variant Classification Sherloc (09022015). Collection method: clinical testing. Allele origin: germline.
Comment: In summary, the available evidence is currently insufficient to determine the role of this variant in disease. Therefore, it has been classified as a Variant of Uncertain Significance. Algorithms developed to predict the effect of missense changes on protein structure and function output the following: SIFT: "Tolerated"; PolyPhen-2: "Possibly Damaging"; Align-GVGD: "Class C0". The glutamic acid amino acid residue is found in multiple mammalian species, which suggests that this missense change does not adversely affect protein function. This variant has not been reported in the literature in individuals affected with CCDC114-related conditions. This variant is not present in population databases (gnomAD no frequency). This sequence change replaces aspartic acid, which is acidic and polar, with glutamic acid, which is acidic and polar, at codon 466 of the CCDC114 protein (p.Asp466Glu).